The following is an entry in ClinVar:

NM_001267550.2(TTN):c.86627del (p.Pro28876fs)

Genes: TTN (titin; minus strand), TTN-AS1 (TTN antisense RNA 1; plus strand). Cytogenetic location: 2q31.2.
Variant type: Deletion.
Coding change: c.86627del on transcript NM_001267550.2 (MANE Select); coding-DNA position 86627, one base deleted (C; older notation c.86627delC).
Protein change: p.Pro28876fs; shifts the reading frame from proline 28876.
Molecular consequence: frameshift variant.
Genome position (GRCh38, 1-based): chr2:178,559,505, G deleted on the plus strand (C on the coding strand, the reverse complement: TTN is on the minus strand); the first of 2 consecutive G bases (chr2:178,559,505-178,559,506); deleting either gives the same sequence. VCF-style (leftmost placement, unchanged base first): chr2-178559504-TG-T. GRCh37 (hg19) VCF-style: chr2-179424231-TG-T.
Other names: c.81704del, p.Pro27235fs (NM_001256850.1); c.59432del, p.Pro19811fs (NM_003319.4); c.78923del, p.Pro26308fs (NM_133378.4); c.59807del, p.Pro19936fs (NM_133432.3); c.60008del, p.Pro20003fs (NM_133437.4); c.81704delC (NM_001256850.1); short protein forms P19936fs, P20003fs, P28876fs, P19811fs, P27235fs, P26308fs.
Identifiers: ClinVar variation 420867 (VCV000420867.2), dbSNP rs1064794754, ClinGen allele CA16617340.
Genomic context (GRCh38, chr2:178,559,504, plus strand): 5'-GGTCACAGAGACCCATGCTTTCTTGCTGGCCTCACGTTTTTCTATGTGGTAATTCTTCAC[TG>T]GTGCTCCACCATCGTTTTCAGGAACATCCCAGGATAACACTGCAGACTCTTTGGTTACAT-3'

ClinVar aggregate classification (germline): Likely pathogenic (1 of 4 stars; one submission).

Submission:

GeneDx
Classification: Likely pathogenic. Last evaluated: 2016-04-01. Review status: criteria provided, single submitter. Criteria: GeneDx Variant Classification (06012015). Collection method: clinical testing. Allele origin: germline. Affected: yes.
Comment: Although the c.81704delC likely pathogenic variant in the TTN gene has not been reported to our knowledge, this variant causes a shift in reading frame starting at codon Proline 27235, changing it to a Glutamine, and creating a premature stop codon at position 2 of the new reading frame, denoted p.Pro27235GlnfsX2. This variant is expected to result in either an abnormal, truncated protein product or loss of protein from this allele through nonsense-mediated mRNA decay. Other frameshift variants in the TTN gene have been reported in HGMD in association with cardiomyopathy (Stenson et al., 2014). Furthermore, the c.81704delC variant was not observed in approximately 6,100 individuals of European and African American ancestry in the NHLBI Exome Sequencing Project, indicating it is not a common benign variant in these populations. However, truncating variants in the TTN gene have been reported in approximately 3% of control alleles (Herman D et al., 2012). Nevertheless, c.81704delC is located in the A-band region of titin, where the majority of truncating pathogenic variants associated with DCM have been reported (Herman et al., 2012).